The following is an entry in ClinVar:

NM_001127649.3(PEX26):c.3G>A (p.Met1Ile)

Genes: PEX26 (peroxisomal biogenesis factor 26; plus strand), LOC130066940 (ATAC-STARR-seq lymphoblastoid silent region 13448; plus strand). Cytogenetic location: 22q11.21.
Variant type: single nucleotide variant.
Coding change: c.3G>A on transcript NM_001127649.3 (MANE Select); coding-DNA position 3, G replaced by A.
Protein change: p.Met1Ile; changes the start codon (methionine 1).
Molecular consequence: missense variant, initiator codon variant.
Genome position (GRCh38, 1-based): chr22:18,078,379, G>A. VCF-style: chr22-18078379-G-A. GRCh37 (hg19) VCF-style: chr22-18561145-G-A.
Other names: c.3G>A, p.Met1Ile (NM_001199319.2, NM_017929.6); c.3G>A (NM_017929.5); short protein forms M1I.
Identifiers: ClinVar variation 3759598 (VCV003759598.3).

ClinVar aggregate classification (germline): Pathogenic. Review status: criteria provided, multiple submitters, no conflicts (2 of 4 stars). 2 submissions from 2 submitters: Pathogenic (2). Last evaluated 2025-05-07.

Conditions:
Peroxisome biogenesis disorder 7A (Zellweger). Also called: Peroxisome biogenesis disorder 7A. Identifiers: Orphanet 912, MedGen C3888385, MONDO:0013938, OMIM 614872.
Peroxisome biogenesis disorder 7B (PBD7B). Identifiers: Orphanet 44, MedGen C3553951, MONDO:0013939, OMIM 614873.

Submissions (2):

GeneDx
Classification: Pathogenic. Last evaluated: 2025-05-07. Review status: criteria provided, single submitter. Criteria: GeneDx Variant Classification Process June 2021. Collection method: clinical testing. Allele origin: germline. Affected: yes.
Comment: Identified with a second PEX26 variant, phase unknown, in a patient with non-syndromic hearing loss and enamal defects in the published literature (PMID: 28944237); Initiation codon variant in a gene for which loss of function is a known mechanism of disease; Not observed at significant frequency in large population cohorts (gnomAD); This variant is associated with the following publications: (PMID: 12851857, 28944237, 15858711)

Labcorp Genetics (formerly Invitae), Labcorp
Classification: Pathogenic for Peroxisome biogenesis disorder 7A (Zellweger); Peroxisome biogenesis disorder 7B. Last evaluated: 2025-01-06. Review status: criteria provided, single submitter. Criteria: Invitae Variant Classification Sherloc (09022015). Collection method: clinical testing. Allele origin: germline.
Comment: This sequence change affects the initiator methionine of the PEX26 mRNA. The next in-frame methionine is located at codon 96. This variant is not present in population databases (gnomAD no frequency). Disruption of the initiator codon has been observed in individual(s) with PEX26-related conditions (PMID: 12851857, 28944237). This variant disrupts a region of the PEX26 protein in which other variant(s) (p.Gly89Arg ) have been determined to be pathogenic (PMID: 12851857). This suggests that this is a clinically significant region of the protein, and that variants that disrupt it are likely to be disease-causing. For these reasons, this variant has been classified as Pathogenic.

Literature cited by the submitters: PubMed 12851857 (cited by Labcorp Genetics (formerly Invitae), Labcorp); PubMed 28944237 (cited by Labcorp Genetics (formerly Invitae), Labcorp).